The following is an entry in ClinVar:

NM_001195518.2(MICU1):c.577A>G (p.Ser193Gly)

Gene: MICU1 (mitochondrial calcium uptake 1; minus strand). Cytogenetic location: 10q22.1.
Variant type: single nucleotide variant.
Coding change: c.577A>G on transcript NM_001195518.2 (MANE Select); coding-DNA position 577, A replaced by G.
Protein change: p.Ser193Gly; replaces serine 193 with glycine.
Molecular consequence: missense variant. On other transcripts: intron variant (1).
Genome position (GRCh38, 1-based): chr10:72,508,230, T>C on the plus strand (A>G on the coding strand, the complement: MICU1 is on the minus strand). VCF-style: chr10-72508230-T-C. GRCh37 (hg19) VCF-style: chr10-74267988-T-C.
Other names: c.595A>G, p.Ser199Gly (NM_001363513.2); c.583A>G, p.Ser195Gly (NM_006077.4); c.58+15572A>G (NM_001195519.2); short protein forms S193G, S199G, S195G.
Identifiers: ClinVar variation 1372856 (VCV001372856.6), dbSNP rs1362486717, ClinGen allele CA377394198.

ClinVar aggregate classification (germline): Uncertain significance (1 of 4 stars; one submission).

Allele frequency attached by ClinVar (database versions not stated): TOPMed below 0.00001; gnomAD 0.00001.

Submission:

Labcorp Genetics (formerly Invitae), Labcorp
Classification: Uncertain significance. Last evaluated: 2022-06-27. Review status: criteria provided, single submitter. Criteria: Invitae Variant Classification Sherloc (09022015). Collection method: clinical testing. Allele origin: germline.
Comment: This sequence change replaces serine, which is neutral and polar, with glycine, which is neutral and non-polar, at codon 195 of the MICU1 protein (p.Ser195Gly). This variant is not present in population databases (gnomAD no frequency). This variant has not been reported in the literature in individuals affected with MICU1-related conditions. Algorithms developed to predict the effect of missense changes on protein structure and function are either unavailable or do not agree on the potential impact of this missense change (SIFT: "Deleterious"; PolyPhen-2: "Not Available"; Align-GVGD: "Class C55"). In summary, the available evidence is currently insufficient to determine the role of this variant in disease. Therefore, it has been classified as a Variant of Uncertain Significance.